The following is an entry in ClinVar:

ClinVar aggregate classification (germline): Uncertain significance. Review status: criteria provided, multiple submitters, no conflicts (2 of 4 stars). 2 submissions from 2 submitters: Uncertain significance (2). Last evaluated 2026-01-14.

Conditions:
Inborn genetic diseases. Identifiers: MedGen C0950123, MeSH D030342.

Submissions (2):

Labcorp Genetics (formerly Invitae), Labcorp
Classification: Uncertain significance. Last evaluated: 2026-01-14. Review status: criteria provided, single submitter. Criteria: Invitae Variant Classification Sherloc (09022015). Collection method: clinical testing. Allele origin: germline.
Comment: This sequence change replaces leucine, which is neutral and non-polar, with proline, which is neutral and non-polar, at codon 1804 of the ATR protein (p.Leu1804Pro). This variant is not present in population databases (gnomAD no frequency). This variant has not been reported in the literature in individuals affected with ATR-related conditions. ClinVar contains an entry for this variant (Variation ID: 1747381). An algorithm developed to predict the effect of missense changes on protein structure and function (PolyPhen-2) suggests that this variant is likely to be disruptive. In summary, the available evidence is currently insufficient to determine the role of this variant in disease. Therefore, it has been classified as a Variant of Uncertain Significance.

Ambry Genetics
Classification: Uncertain significance for Inborn genetic diseases. Last evaluated: 2024-10-19. Review status: criteria provided, single submitter. Criteria: Ambry Variant Classification Scheme 2023. Collection method: clinical testing. Allele origin: germline.
Comment: The p.L1804P variant (also known as c.5411T>C), located in coding exon 32 of the ATR gene, results from a T to C substitution at nucleotide position 5411. The leucine at codon 1804 is replaced by proline, an amino acid with similar properties. This amino acid position is conserved. In addition, this alteration is predicted to be deleterious by in silico analysis. Since supporting evidence is limited at this time, the clinical significance of this alteration remains unclear.

NM_001184.4(ATR):c.5411T>C (p.Leu1804Pro)

Gene: ATR (ATR checkpoint kinase; minus strand). Cytogenetic location: 3q23.
Variant type: single nucleotide variant.
Coding change: c.5411T>C on transcript NM_001184.4 (MANE Select); coding-DNA position 5411, T replaced by C.
Protein change: p.Leu1804Pro; replaces leucine 1804 with proline.
Molecular consequence: missense variant.
Genome position (GRCh38, 1-based): chr3:142,498,744, A>G on the plus strand (T>C on the coding strand, the complement: ATR is on the minus strand). VCF-style: chr3-142498744-A-G. GRCh37 (hg19) VCF-style: chr3-142217586-A-G.
Other names: c.5219T>C, p.Leu1740Pro (NM_001354579.2); short protein forms L1804P, L1740P.
Identifiers: ClinVar variation 1747381 (VCV001747381.4), dbSNP rs2108341699, ClinGen allele CA354816270.